The following is an entry in ClinVar:

NM_001369268.1(ACAN):c.1888G>A (p.Gly630Ser)

Gene: ACAN (aggrecan; plus strand). Cytogenetic location: 15q26.1.
Variant type: single nucleotide variant.
Coding change: c.1888G>A on transcript NM_001369268.1 (MANE Select); coding-DNA position 1888, G replaced by A.
Protein change: p.Gly630Ser; replaces glycine 630 with serine.
Molecular consequence: missense variant.
Genome position (GRCh38, 1-based): chr15:88,849,593, G>A. VCF-style: chr15-88849593-G-A. GRCh37 (hg19) VCF-style: chr15-89392824-G-A.
Other names: c.1888G>A, p.Gly630Ser (NM_001135.4, NM_001411096.1, NM_001411097.1 and 1 more transcripts); short protein forms G630S.
Identifiers: ClinVar variation 2176560 (VCV002176560.4), dbSNP rs780323898, ClinGen allele CA7719719.
Genomic context (GRCh38, chr15:88,849,593, plus strand): 5'-CAGCTCTACGCCGCCTGGAGCCGCGGCCTGGACAAGTGCTATGCCGGCTGGCTGGCCGAC[G>A]GCAGCCTCCGCTACCCCATCGTCACCCCAAGGCCTGCCTGCGGTGGGGACAAGCCAGGCG-3'
Protein context (NP_001356197.1, residues 620-640): DKCYAGWLAD[Gly630Ser]SLRYPIVTPR

ClinVar aggregate classification (germline): Uncertain significance (1 of 4 stars; one submission).

Allele frequency attached by ClinVar (database versions not stated): TOPMed below 0.00001; ExAC 0.00002.
gnomAD v4.1: 13 of 1,608,746 alleles (0.00081%); highest among the groups gnomAD compares: East Asian, 0.009%; no homozygotes.

Submission:

Labcorp Genetics (formerly Invitae), Labcorp
Classification: Uncertain significance. Last evaluated: 2025-06-10. Review status: criteria provided, single submitter. Criteria: Invitae Variant Classification Sherloc (09022015). Collection method: clinical testing. Allele origin: germline.
Comment: This sequence change replaces glycine, which is neutral and non-polar, with serine, which is neutral and polar, at codon 630 of the ACAN protein (p.Gly630Ser). This variant is present in population databases (rs780323898, gnomAD 0.01%). This missense change has been observed in individual(s) with short stature (PMID: 36597844). ClinVar contains an entry for this variant (Variation ID: 2176560). Invitae Evidence Modeling of protein sequence and biophysical properties (such as structural, functional, and spatial information, amino acid conservation, physicochemical variation, residue mobility, and thermodynamic stability) indicates that this missense variant is not expected to disrupt ACAN protein function with a negative predictive value of 80%. In summary, the available evidence is currently insufficient to determine the role of this variant in disease. Therefore, it has been classified as a Variant of Uncertain Significance.

Literature cited by the submitters: PubMed 36597844.